The following is an entry in ClinVar:

ClinVar aggregate classification (germline): Uncertain significance (1 of 4 stars; one submission).

Conditions:
Primary ciliary dyskinesia. Also called: Ciliary dyskinesia. Identifiers: Orphanet 244, MedGen C0008780, MONDO:0016575, HP:0012265.

gnomAD v4.1: 5 of 1,613,512 alleles (0.00031%); highest among the groups gnomAD compares: Admixed American, 0.0017%; no homozygotes.

Submission:

Labcorp Genetics (formerly Invitae), Labcorp
Classification: Uncertain significance for Primary ciliary dyskinesia. Last evaluated: 2024-08-08. Review status: criteria provided, single submitter. Criteria: Invitae Variant Classification Sherloc (09022015). Collection method: clinical testing. Allele origin: germline.
Comment: This sequence change replaces aspartic acid, which is acidic and polar, with asparagine, which is neutral and polar, at codon 1924 of the DNAH8 protein (p.Asp1924Asn). This variant is not present in population databases (gnomAD no frequency). This variant has not been reported in the literature in individuals affected with DNAH8-related conditions. Advanced modeling of protein sequence and biophysical properties (such as structural, functional, and spatial information, amino acid conservation, physicochemical variation, residue mobility, and thermodynamic stability) has been performed at Invitae for this missense variant, however the output from this modeling did not meet the statistical confidence thresholds required to predict the impact of this variant on DNAH8 protein function. In summary, the available evidence is currently insufficient to determine the role of this variant in disease. Therefore, it has been classified as a Variant of Uncertain Significance.

NM_001206927.2(DNAH8):c.5770G>A (p.Asp1924Asn)

Gene: DNAH8 (dynein axonemal heavy chain 8; plus strand). Cytogenetic location: 6p21.2.
Variant type: single nucleotide variant.
Coding change: c.5770G>A on transcript NM_001206927.2 (MANE Select); coding-DNA position 5770, G replaced by A.
Protein change: p.Asp1924Asn; replaces aspartic acid 1924 with asparagine.
Molecular consequence: missense variant.
Genome position (GRCh38, 1-based): chr6:38,857,554, G>A. VCF-style: chr6-38857554-G-A. GRCh37 (hg19) VCF-style: chr6-38825330-G-A.
Other names: c.5119G>A, p.Asp1707Asn (NM_001371.4); short protein forms D1924N, D1707N.
Identifiers: ClinVar variation 3619587 (VCV003619587.2), dbSNP rs267601015.
Genomic context (GRCh38, chr6:38,857,554, plus strand): 5'-AATATTTTTCTGCTGGATCTGTAGGTTGGACTTCTGGGAATTCAGATGTTGTGGACACAC[G>A]ATTCAGAAGAGGCTTTACGTAATGCAAAAGATGACAGGAAAATCATGCAAGTGACCAATC-3'
Protein context (NP_001193856.1, residues 1914-1934): LLGIQMLWTH[Asp1924Asn]SEEALRNAKD